The following is an entry in ClinVar:

NM_004612.4(TGFBR1):c.122G>C (p.Cys41Ser)

Gene: TGFBR1 (transforming growth factor beta receptor 1; plus strand). Cytogenetic location: 9q22.33.
Variant type: single nucleotide variant.
Coding change: c.122G>C on transcript NM_004612.4 (MANE Select); coding-DNA position 122, G replaced by C.
Protein change: p.Cys41Ser; replaces cysteine 41 with serine.
Molecular consequence: missense variant. On other transcripts: 5 prime UTR variant (15), non-coding transcript variant (4), intron variant (3).
Genome position (GRCh38, 1-based): chr9:99,128,879, G>C. VCF-style: chr9-99128879-G-C. GRCh37 (hg19) VCF-style: chr9-101891161-G-C.
Other names: c.122G>C, p.Cys41Ser (NM_001130916.3, NM_001306210.2, NM_001407416.1 and 2 more transcripts); c.-86G>C (NM_001407418.1, NM_001407419.1, NM_001407420.1 and 12 more transcripts); c.98-3630G>C (NM_001407436.1); c.98-8980G>C (NM_001407438.1); c.98-13657G>C (NM_001407437.1); short protein forms C41S.
Identifiers: ClinVar variation 4801814 (VCV004801814.1).
Genomic context (GRCh38, chr9:99,128,879, plus strand): 5'-TTGAGATTTTTTCTAAGAATCTTTCTCTTTTTCCAGCGTTACAGTGTTTCTGCCACCTCT[G>C]TACAAAAGACAATTTTACTTGTGTGACAGATGGGCTCTGCTTTGTCTCTGTCACAGAGAC-3'
Protein context (NP_004603.1, residues 31-51): ATALQCFCHL[Cys41Ser]TKDNFTCVTD

ClinVar aggregate classification (germline): Uncertain significance (1 of 4 stars; one submission).

Conditions:
Familial thoracic aortic aneurysm and aortic dissection (TAAD). Also called: Thoracic aortic aneurysms and dissections. Identifiers: Orphanet 91387, MedGen C4707243, MONDO:0019625.

Submission:

Labcorp Genetics (formerly Invitae), Labcorp
Classification: Uncertain significance for Familial thoracic aortic aneurysm and aortic dissection. Last evaluated: 2025-11-17. Review status: criteria provided, single submitter. Criteria: Invitae Variant Classification Sherloc (09022015). Collection method: clinical testing. Allele origin: germline.
Comment: This sequence change replaces cysteine, which is neutral and slightly polar, with serine, which is neutral and polar, at codon 41 of the TGFBR1 protein (p.Cys41Ser). This variant is not present in population databases (gnomAD no frequency). This variant has not been reported in the literature in individuals affected with TGFBR1-related conditions. Invitae Evidence Modeling of protein sequence and biophysical properties (such as structural, functional, and spatial information, amino acid conservation, physicochemical variation, residue mobility, and thermodynamic stability) indicates that this missense variant is expected to disrupt TGFBR1 protein function with a positive predictive value of 95%. In summary, the available evidence is currently insufficient to determine the role of this variant in disease. Therefore, it has been classified as a Variant of Uncertain Significance.